The following is an entry in ClinVar:

ClinVar aggregate classification (germline): Uncertain significance. Review status: criteria provided, multiple submitters, no conflicts (2 of 4 stars). 2 submissions from 2 submitters: Uncertain significance (2). Last evaluated 2025-12-16.

Conditions:
Sulfite oxidase deficiency due to molybdenum cofactor deficiency type C. Also called: Molybdenum cofactor deficiency, complementation group C; Molybdenum cofactor deficiency C. Identifiers: Orphanet 308400, Orphanet 833, MedGen C1854990, MONDO:0014212, OMIM 615501.
Inborn genetic diseases. Identifiers: MedGen C0950123, MeSH D030342.

Allele frequency attached by ClinVar (database versions not stated): gnomAD 0.00001; gnomAD exomes 0.00001; TOPMed 0.00001; ExAC 0.00002.
gnomAD v4.1: 8 of 1,611,324 alleles (0.0005%); highest among the groups gnomAD compares: African/African-American, 0.0027%; no homozygotes.

Submissions (2):

Ambry Genetics
Classification: Uncertain significance for Inborn genetic diseases. Last evaluated: 2025-12-16. Review status: criteria provided, single submitter. Criteria: Ambry Variant Classification Scheme 2023. Collection method: clinical testing. Allele origin: germline.

Labcorp Genetics (formerly Invitae), Labcorp
Classification: Uncertain significance for Sulfite oxidase deficiency due to molybdenum cofactor deficiency type C. Last evaluated: 2025-06-12. Review status: criteria provided, single submitter. Criteria: Invitae Variant Classification Sherloc (09022015). Collection method: clinical testing. Allele origin: germline.
Comment: This sequence change replaces arginine, which is basic and polar, with glutamine, which is neutral and polar, at codon 291 of the GPHN protein (p.Arg291Gln). This variant is present in population databases (rs774716332, gnomAD 0.01%). This variant has not been reported in the literature in individuals affected with GPHN-related conditions. ClinVar contains an entry for this variant (Variation ID: 2199608). Invitae Evidence Modeling of protein sequence and biophysical properties (such as structural, functional, and spatial information, amino acid conservation, physicochemical variation, residue mobility, and thermodynamic stability) indicates that this missense variant is not expected to disrupt GPHN protein function with a negative predictive value of 80%. In summary, the available evidence is currently insufficient to determine the role of this variant in disease. Therefore, it has been classified as a Variant of Uncertain Significance.

NM_020806.5(GPHN):c.872G>A (p.Arg291Gln)

Gene: GPHN (gephyrin; plus strand). Cytogenetic location: 14q23.3.
Variant type: single nucleotide variant.
Coding change: c.872G>A on transcript NM_020806.5 (MANE Select); coding-DNA position 872, G replaced by A.
Protein change: p.Arg291Gln; replaces arginine 291 with glutamine.
Molecular consequence: missense variant.
Genome position (GRCh38, 1-based): chr14:66,965,234, G>A. VCF-style: chr14-66965234-G-A. GRCh37 (hg19) VCF-style: chr14-67431951-G-A.
Other names: c.773G>A, p.Arg258Gln (NM_001024218.2, NM_001377515.1, NM_001377516.1 and 2 more transcripts); c.812G>A, p.Arg271Gln (NM_001377514.1, NM_001377519.1); c.872G>A (NM_020806.4); short protein forms R271Q, R258Q, R291Q.
Identifiers: ClinVar variation 2199608 (VCV002199608.5), dbSNP rs774716332, ClinGen allele CA7233861.